The following is an entry in ClinVar:

NM_001242957.3(MAK):c.1515C>A (p.Asn505Lys)

Gene: MAK (male germ cell associated kinase; minus strand). Cytogenetic location: 6p24.2.
Variant type: single nucleotide variant.
Coding change: c.1515C>A on transcript NM_001242957.3 (MANE Select); coding-DNA position 1515, C replaced by A.
Protein change: p.Asn505Lys; replaces asparagine 505 with lysine.
Molecular consequence: missense variant. On other transcripts: non-coding transcript variant (2).
Genome position (GRCh38, 1-based): chr6:10,775,410, G>T on the plus strand (C>A on the coding strand, the complement: MAK is on the minus strand). VCF-style: chr6-10775410-G-T. GRCh37 (hg19) VCF-style: chr6-10775643-G-T.
Other names: c.1515C>A, p.Asn505Lys (NM_001242385.2, NM_005906.6); c.1413C>A, p.Asn471Lys (NM_001377262.1); short protein forms N471K, N505K.
Identifiers: ClinVar variation 1051558 (VCV001051558.9), dbSNP rs2127519039, ClinGen allele CA362715832.

ClinVar aggregate classification (germline): Uncertain significance (1 of 4 stars; one submission).

Submission:

Labcorp Genetics (formerly Invitae), Labcorp
Classification: Uncertain significance. Last evaluated: 2022-02-24. Review status: criteria provided, single submitter. Criteria: Invitae Variant Classification Sherloc (09022015). Collection method: clinical testing. Allele origin: germline.
Comment: This variant is not present in population databases (gnomAD no frequency). This variant has not been reported in the literature in individuals affected with MAK-related conditions. ClinVar contains an entry for this variant (Variation ID: 1051558). Experimental studies and prediction algorithms are not available or were not evaluated, and the functional significance of this variant is currently unknown. In summary, the available evidence is currently insufficient to determine the role of this variant in disease. Therefore, it has been classified as a Variant of Uncertain Significance. This sequence change replaces asparagine, which is neutral and polar, with lysine, which is basic and polar, at codon 505 of the MAK protein (p.Asn505Lys).